The following is an entry in ClinVar:

ClinVar aggregate classification (germline): Uncertain significance. Review status: criteria provided, multiple submitters, no conflicts (2 of 4 stars). 2 submissions from 2 submitters: Uncertain significance (2). Last evaluated 2024-04-17.

Conditions:
Multiple epiphyseal dysplasia, Al-Gazali type. Also called: Macrocephaly with multiple epiphyseal dysplasia and distinctive facies. Identifiers: Orphanet 166024, MedGen C1846722, MONDO:0011778, OMIM 607131.
Hydrolethalus syndrome 2 (HLS2). Identifiers: Orphanet 2189, MedGen C3279899, MONDO:0013585, OMIM 614120.
Acrocallosal syndrome (ACLS). Also called: HALLUX DUPLICATION, POSTAXIAL POLYDACTYLY, AND ABSENCE OF CORPUS CALLOSUM; Schinzel syndrome 1; Absence of corpus callosum with unusual facial appearance, mental deficiency, duplication of the halluces and polydactyly. Identifiers: Orphanet 36, MedGen C0796147, MONDO:0008708, OMIM 200990.

Allele frequency attached by ClinVar (database versions not stated): gnomAD 0.00003; ExAC 0.00004; gnomAD exomes 0.00004.
gnomAD v4.1: 52 of 1,606,840 alleles (0.0032%); highest among the groups gnomAD compares: East Asian, 0.018%; no homozygotes.

Submissions (2):

Labcorp Genetics (formerly Invitae), Labcorp
Classification: Uncertain significance for Acrocallosal syndrome. Last evaluated: 2024-04-17. Review status: criteria provided, single submitter. Criteria: Invitae Variant Classification Sherloc (09022015). Collection method: clinical testing. Allele origin: germline.
Comment: This sequence change replaces arginine, which is basic and polar, with cysteine, which is neutral and slightly polar, at codon 960 of the KIF7 protein (p.Arg960Cys). This variant is present in population databases (rs766652877, gnomAD 0.02%). This variant has not been reported in the literature in individuals affected with KIF7-related conditions. ClinVar contains an entry for this variant (Variation ID: 1388928). Advanced modeling of protein sequence and biophysical properties (such as structural, functional, and spatial information, amino acid conservation, physicochemical variation, residue mobility, and thermodynamic stability) has been performed at Invitae for this missense variant, however the output from this modeling did not meet the statistical confidence thresholds required to predict the impact of this variant on KIF7 protein function. In summary, the available evidence is currently insufficient to determine the role of this variant in disease. Therefore, it has been classified as a Variant of Uncertain Significance.

Fulgent Genetics
Classification: Uncertain significance for Acrocallosal syndrome; Multiple epiphyseal dysplasia, Al-Gazali type; Hydrolethalus syndrome 2. Last evaluated: 2024-01-23. Review status: criteria provided, single submitter. Criteria: ACMG Guidelines, 2015. Collection method: clinical testing. Allele origin: germline.

NM_198525.3(KIF7):c.2878C>T (p.Arg960Cys)

Gene: KIF7 (kinesin family member 7; minus strand). Cytogenetic location: 15q26.1.
Variant type: single nucleotide variant.
Coding change: c.2878C>T on transcript NM_198525.3 (MANE Select); coding-DNA position 2878, C replaced by T.
Protein change: p.Arg960Cys; replaces arginine 960 with cysteine.
Molecular consequence: missense variant.
Genome position (GRCh38, 1-based): chr15:89,632,837, G>A on the plus strand (C>T on the coding strand, the complement: KIF7 is on the minus strand). VCF-style: chr15-89632837-G-A. GRCh37 (hg19) VCF-style: chr15-90176068-G-A.
Other names: short protein forms R960C.
Identifiers: ClinVar variation 1388928 (VCV001388928.9), dbSNP rs766652877, ClinGen allele CA7727921.